The following is an entry in ClinVar:

NM_198578.4(LRRK2):c.1102-10C>A

Gene: LRRK2 (leucine rich repeat kinase 2; plus strand). Cytogenetic location: 12q12.
Variant type: single nucleotide variant.
Coding change: c.1102-10C>A on transcript NM_198578.4 (MANE Select); 10 bases into the intron before coding-DNA position 1102, C replaced by A.
Molecular consequence: intron variant.
Genome position (GRCh38, 1-based): chr12:40,251,455, C>A. VCF-style: chr12-40251455-C-A. GRCh37 (hg19) VCF-style: chr12-40645257-C-A.
Other names: p.?.
Identifiers: ClinVar variation 308613 (VCV000308613.22), dbSNP rs7955902, ClinGen allele CA6513286.

ClinVar aggregate classification (germline): Benign. Review status: criteria provided, multiple submitters, no conflicts (2 of 4 stars). 8 submissions from 8 submitters: Benign (5). 3 of the submissions do not count toward it. Last evaluated 2026-02-04.

Conditions:
Autosomal dominant Parkinson disease 8. Also called: LRRK2-Related Parkinson Disease; Parkinson disease 8; Parkinson disease 8, susceptibility to. Identifiers: Orphanet 411602, MedGen C1846862, MONDO:0011764, OMIM 607060.

Allele frequency attached by ClinVar (database versions not stated): TOPMed 0.31056; 1000 Genomes Project 30x 0.31199; ESP Exome Variant Server 0.31818; 1000 Genomes Project 0.31949; gnomAD 0.31995 and 0.32552; gnomAD exomes 0.35232; ExAC 0.36221.
gnomAD v4.1: 599,821 of 1,610,156 alleles (37%); highest among the groups gnomAD compares: South Asian, 44%; 114,432 homozygotes.

Submissions (8):

Labcorp Genetics (formerly Invitae), Labcorp
Classification: Benign for Autosomal dominant Parkinson disease 8. Last evaluated: 2026-02-04. Review status: criteria provided, single submitter. Criteria: Invitae Variant Classification Sherloc (09022015). Collection method: clinical testing. Allele origin: germline.

Mayo Clinic Laboratories, Mayo Clinic
Classification: Benign. Last evaluated: 2022-03-24. Review status: criteria provided, single submitter. Criteria: ACMG Guidelines, 2015. Collection method: clinical testing. Allele origin: germline. Observed: 354 variant alleles.

GeneDx
Classification: Benign. Last evaluated: 2018-08-15. Review status: criteria provided, single submitter. Criteria: GeneDx Variant Classification Process June 2021. Collection method: clinical testing. Allele origin: germline. Affected: yes.

Illumina Laboratory Services, Illumina
Classification: Benign for Autosomal dominant Parkinson disease 8. Last evaluated: 2018-01-13. Review status: criteria provided, single submitter. Criteria: ICSL Variant Classification Criteria 13 December 2019. Collection method: clinical testing. Allele origin: germline.
Comment: This variant was observed in the ICSL laboratory as part of a predisposition screen in an ostensibly healthy population. It had not been previously curated by ICSL or reported in the Human Gene Mutation Database (HGMD: prior to June 1st, 2018), and was therefore a candidate for classification through an automated scoring system. Utilizing variant allele frequency, disease prevalence and penetrance estimates, and inheritance mode, an automated score was calculated to assess if this variant is too frequent to cause the disease. Based on the score and internal cut-off values, a variant classified as benign is not then subjected to further curation. The score for this variant resulted in a classification of benign for this disease.

Breakthrough Genomics
Classification: Benign. Review status: criteria provided, single submitter. Criteria: ACMG Guidelines, 2015. Collection method: not provided. Allele origin: germline. Inheritance: Autosomal dominant inheritance. Affected: yes.

Clinical Genetics DNA and cytogenetics Diagnostics Lab, Erasmus MC, Erasmus Medical Center
Classification: Benign. Review status: no assertion criteria provided. Collection method: clinical testing. Allele origin: germline. Affected: yes. Study: VKGL Data-share Consensus. Not counted in ClinVar's aggregate classification.

Genome Diagnostics Laboratory, Amsterdam University Medical Center
Classification: Benign. Review status: no assertion criteria provided. Collection method: clinical testing. Allele origin: germline. Affected: yes. Study: VKGL Data-share Consensus. Not counted in ClinVar's aggregate classification.

Joint Genome Diagnostic Labs from Nijmegen and Maastricht, Radboudumc and MUMC+
Classification: Benign. Review status: no assertion criteria provided. Collection method: clinical testing. Allele origin: germline. Affected: yes. Study: VKGL Data-share Consensus. Not counted in ClinVar's aggregate classification.